The following is an entry in ClinVar:

NM_000393.5(COL5A2):c.3919C>G (p.Gln1307Glu)

Gene: COL5A2 (collagen type V alpha 2 chain; minus strand). Cytogenetic location: 2q32.2.
Variant type: single nucleotide variant.
Coding change: c.3919C>G on transcript NM_000393.5 (MANE Select); coding-DNA position 3919, C replaced by G.
Protein change: p.Gln1307Glu; replaces glutamine 1307 with glutamic acid.
Molecular consequence: missense variant.
Genome position (GRCh38, 1-based): chr2:189,039,278, G>C on the plus strand (C>G on the coding strand, the complement: COL5A2 is on the minus strand). VCF-style: chr2-189039278-G-C. GRCh37 (hg19) VCF-style: chr2-189904004-G-C.
Other names: p.Gln1307Glu; short protein forms Q1307E.
Identifiers: ClinVar variation 408280 (VCV000408280.58), dbSNP rs142814184, ClinGen allele CA2021894.

ClinVar aggregate classification (germline): Conflicting classifications of pathogenicity. Review status: criteria provided, conflicting classifications (1 of 4 stars). 9 submissions from 9 submitters: Uncertain significance (3); Likely benign (6). Last evaluated 2026-03-23.

Conditions:
Ehlers-Danlos syndrome, classic type, 1 (EDSCL1). Also called: Ehlers-Danlos Syndrome, Classic Type, COL5A1-Related; EDS I; EHLERS-DANLOS SYNDROME, GRAVIS TYPE; EHLERS-DANLOS SYNDROME, SEVERE CLASSIC TYPE; Ehlers-Danlos syndrome, type 1. Identifiers: MedGen C0268335, MONDO:0019567, OMIM 130000.
Ehlers-Danlos syndrome, classic type, 2 (EDSCL2). Also called: Ehlers-Danlos Syndrome, Classic Type, COL5A2-Related; Ehlers-Danlos syndrome, type 2; Ehlers-Danlos syndrome type 2 (formerly). Identifiers: Orphanet 287, Orphanet 90318, MedGen C0268336, MONDO:0019568, OMIM 130010.
Ehlers-Danlos syndrome (EDS). Identifiers: Orphanet 98249, MedGen C0013720, MONDO:0020066.
Familial thoracic aortic aneurysm and aortic dissection (TAAD). Also called: Thoracic aortic aneurysms and dissections. Identifiers: Orphanet 91387, MedGen C4707243, MONDO:0019625.

Allele frequency attached by ClinVar (database versions not stated): TOPMed 0.00008; gnomAD 0.00010 and 0.00011; ESP Exome Variant Server 0.00015; ExAC 0.00003; gnomAD exomes 0.00003 and 0.00008.
gnomAD v4.1: 125 of 1,613,762 alleles (0.0077%); highest among the groups gnomAD compares: Non-Finnish European, 0.01%; no homozygotes.

Submissions (9):

Women's Health and Genetics/Laboratory Corporation of America, LabCorp
Classification: Uncertain significance. Last evaluated: 2026-03-23. Review status: criteria provided, single submitter. Criteria: LabCorp Variant Classification Summary - May 2015. Collection method: clinical testing. Allele origin: germline.
Comment: Variant summary: COL5A2 c.3919C>G (p.Gln1307Glu) results in a conservative amino acid change in the encoded protein sequence. Algorithms developed to predict the effect of missense changes on protein structure and function all suggest that this variant is likely to be tolerated. The variant allele was found at a frequency of 2.8e-05 in 249894 control chromosomes (gnomAD). The available data on variant occurrences in the general population are insufficient to allow any conclusion about variant significance. c.3919C>G has been observed in one individual affected with clinical diagnosis of unclassified form of syndromic joint hypermobility (Leone_2023). These report(s) do not provide unequivocal conclusions about association of the variant with Ehlers-Danlos syndrome, classic type, 2. To our knowledge, no experimental evidence demonstrating an impact on protein function has been reported. The following publication have been ascertained in the context of this evaluation (PMID: 37079061). ClinVar contains an entry for this variant (Variation ID: 408280). Based on the evidence outlined above, the variant was classified as uncertain significance.

Labcorp Genetics (formerly Invitae), Labcorp
Classification: Likely benign for Ehlers-Danlos syndrome, classic type, 1. Last evaluated: 2026-01-16. Review status: criteria provided, single submitter. Criteria: Invitae Variant Classification Sherloc (09022015). Collection method: clinical testing. Allele origin: germline.

Ambry Genetics
Classification: Likely benign for Familial thoracic aortic aneurysm and aortic dissection. Last evaluated: 2025-09-21. Review status: criteria provided, single submitter. Criteria: Ambry Variant Classification Scheme 2023. Collection method: clinical testing. Allele origin: germline.

ARUP Laboratories, Molecular Genetics and Genomics, ARUP Laboratories
Classification: Likely benign for Ehlers-Danlos syndrome, classic type, 2. Last evaluated: 2025-04-07. Review status: criteria provided, single submitter. Criteria: ARUP Molecular Germline Variant Investigation Process 2024. Collection method: clinical testing. Allele origin: germline.

Mayo Clinic Laboratories, Mayo Clinic
Classification: Likely benign. Last evaluated: 2025-01-20. Review status: criteria provided, single submitter. Criteria: ACMG Guidelines, 2015. Collection method: clinical testing. Allele origin: germline. Observed: 1 variant allele.
Comment: BS1, BP4_moderate

GeneDx
Classification: Uncertain significance. Last evaluated: 2024-09-11. Review status: criteria provided, single submitter. Criteria: GeneDx Variant Classification Process June 2021. Collection method: clinical testing. Allele origin: germline. Affected: yes.
Comment: In silico analysis indicates that this missense variant does not alter protein structure/function; Not located in the triple helical region, where the majority of pathogenic missense variants occur (PMID: 22696272; HGMD); Identified in an individual with an unclassified form of syndromic joint hypermobility (PMID: 37079061); This variant is associated with the following publications: (PMID: 22696272, 37079061)

Blueprint Genetics
Classification: Likely benign. Last evaluated: 2024-03-05. Review status: criteria provided, single submitter. Criteria: ACMG Guidelines, 2015. Collection method: clinical testing. Allele origin: germline.

CeGaT Center for Human Genetics Tuebingen
Classification: Likely benign. Last evaluated: 2022-06-01. Review status: criteria provided, single submitter. Criteria: CeGaT Center For Human Genetics Tuebingen Variant Classification Criteria Version 2. Collection method: clinical testing. Allele origin: germline. Affected: yes. Observed: 1 variant allele.
Comment: COL5A2: BP4

Genome Diagnostics Laboratory, The Hospital for Sick Children
Classification: Uncertain significance for Ehlers-Danlos syndrome. Last evaluated: 2020-05-01. Review status: criteria provided, single submitter. Criteria: ACMG Guidelines, 2015. Collection method: clinical testing. Allele origin: germline.

Literature cited by the submitters: PubMed 37079061 (cited by Women's Health and Genetics/Laboratory Corporation of America, LabCorp and Mayo Clinic Laboratories, Mayo Clinic).